The following is an entry in ClinVar:

NM_182961.4(SYNE1):c.1185+81G>A

Gene: SYNE1 (spectrin repeat containing nuclear envelope protein 1; minus strand). Cytogenetic location: 6q25.2.
Variant type: single nucleotide variant.
Coding change: c.1185+81G>A on transcript NM_182961.4 (MANE Select); 81 bases into the intron after coding-DNA position 1185, G replaced by A.
Molecular consequence: intron variant.
Genome position (GRCh38, 1-based): chr6:152,484,754, C>T on the plus strand (G>A on the coding strand, the complement: SYNE1 is on the minus strand). VCF-style: chr6-152484754-C-T. GRCh37 (hg19) VCF-style: chr6-152805889-C-T.
Other names: c.1206+81G>A (NM_033071.5).
Identifiers: ClinVar variation 670600 (VCV000670600.1), dbSNP rs9397512, ClinGen allele CA15453219.

ClinVar aggregate classification (germline): Benign (1 of 4 stars; one submission).

Allele frequency attached by ClinVar (database versions not stated): gnomAD exomes 0.43688; gnomAD 0.51964 and 0.52206; TOPMed 0.53012; 1000 Genomes Project 30x 0.60197; 1000 Genomes Project 0.60264.
gnomAD v4.1: 658,610 of 1,474,156 alleles (45%); highest among the groups gnomAD compares: East Asian, 78%; 154,778 homozygotes.

Submission:

GeneDx
Classification: Benign. Last evaluated: 2018-06-14. Review status: criteria provided, single submitter. Criteria: GeneDx Variant Classification (06012015). Collection method: clinical testing. Allele origin: germline. Affected: yes.
Comment: This variant is considered likely benign or benign based on one or more of the following criteria: it is a conservative change, it occurs at a poorly conserved position in the protein, it is predicted to be benign by multiple in silico algorithms, and/or has population frequency not consistent with disease.